The following is an entry in ClinVar:

NM_000095.3(COMP):c.1358A>T (p.Asn453Ile)

Gene: COMP (cartilage oligomeric matrix protein; minus strand). Cytogenetic location: 19p13.11.
Variant type: single nucleotide variant.
Coding change: c.1358A>T on transcript NM_000095.3 (MANE Select); coding-DNA position 1358, A replaced by T.
Protein change: p.Asn453Ile; replaces asparagine 453 with isoleucine.
Molecular consequence: missense variant.
Genome position (GRCh38, 1-based): chr19:18,786,096, T>A on the plus strand (A>T on the coding strand, the complement: COMP is on the minus strand). VCF-style: chr19-18786096-T-A. GRCh37 (hg19) VCF-style: chr19-18896906-T-A.
Other names: short protein forms N453I.
Identifiers: ClinVar variation 4854305 (VCV004854305.1).
Genomic context (GRCh38, chr19:18,786,096, plus strand): 5'-TCGTCGTCGTCGTCGCAGGCATCACCCTGGCCATCGTGGTCTGAGTCCTCCTGGGCACTG[T>A]TAGGCACCGTGGGACAGTTGTCCCGAGAGTCCTGATGTCCGTCTCCATCCCTAGAGTGGA-3'
Protein context (NP_000086.2, residues 443-463): DSRDNCPTVP[Asn453Ile]SAQEDSDHDG

ClinVar aggregate classification (germline): Likely pathogenic (1 of 4 stars; one submission).

Conditions:
Pseudoachondroplastic spondyloepiphyseal dysplasia syndrome (PSACH). Also called: COMP-Related Pseudoachondroplasia; PSEUDOACHONDROPLASTIC DYSPLASIA; Pseudoachondroplasia. Identifiers: Orphanet 750, MedGen C0410538, MONDO:0008322, OMIM 177170.

Submission:

3billion
Classification: Likely pathogenic for Pseudoachondroplastic spondyloepiphyseal dysplasia syndrome. Last evaluated: 2025-08-21. Review status: criteria provided, single submitter. Criteria: ACMG Guidelines, 2015. Collection method: clinical testing. Allele origin: germline. Affected: yes.
Comment: The variant is not observed in the gnomAD v4.1.0 dataset. Predicted Consequence/Location: Missense variant. Missense changes are a common disease-causing mechanism. In silico tool predictions suggest damaging effect of the variant on gene or gene product [REVEL: 0.92 (>=0.6, sensitivity 0.68 and specificity 0.92); 3Cnet: 0.99 (> 0.75, sensitivity 0.96 and precision 0.92)]. Different missense changes at the same codon (p.Asn453Lys, p.Asn453Ser, p.Asn453Thr) have been reported as pathogenic/likely pathogenic with strong evidence (ClinVar ID: VCV000009190, VCV001066799, VCV002004976 /PMID: 24595329, 38702915, 9463320 /3billion dataset). Therefore, this variant is classified as Likely pathogenic according to the recommendation of ACMG/AMP guideline.

Literature cited by the submitters: PubMed 24595329.